The following is an entry in ClinVar:

ClinVar aggregate classification (germline): Likely pathogenic. Review status: criteria provided, single submitter (1 of 4 stars). 2 submissions from 2 submitters: Likely pathogenic (1). 1 of the submissions does not count toward it. Last evaluated 2024-01-03.

Conditions:
Ovarian neoplasm. Also called: Ovarian tumor; Ovarian Neoplasms; Neoplasm of ovary. Identifiers: MedGen C0919267, MeSH D010051, MONDO:0021068, HP:0100615.
Breast-ovarian cancer, familial, susceptibility to, 3. Also called: RAD51C-Related Breast/Ovarian Cancer. Identifiers: Orphanet 145, MedGen C3150659, MONDO:0013253, OMIM 613399.

Submissions (6):

Myriad Genetics, Inc.
Classification: Likely pathogenic for Breast-ovarian cancer, familial, susceptibility to, 3. Last evaluated: 2024-01-03. Review status: criteria provided, single submitter. Criteria: Myriad Autosomal Dominant, Autosomal Recessive and X-Linked Classification Criteria (2023). Collection method: clinical testing. Allele origin: unknown.
Comment: This variant is considered likely pathogenic. This variant occurs within a consensus splice junction and is predicted to result in abnormal mRNA splicing of either an out-of-frame exon or an in-frame exon necessary for protein stability and/or normal function.

German Consortium for Hereditary Breast and Ovarian Cancer, University Hospital Cologne
Classification: Likely pathogenic for Ovarian neoplasm. Last evaluated: 2018-12-01. Review status: no assertion criteria provided. Collection method: research. Allele origin: germline. Affected: yes. Not counted in ClinVar's aggregate classification.

Dr. Peter K. Rogan Lab, Western University
No classification provided (evidence only). Condition: Ovarian serous cystadenocarcinoma. Review status: no classification provided. Collection method: in vitro. Allele origin: not applicable. Functional consequence: retained intron. Not counted in ClinVar's aggregate classification.

Dr. Peter K. Rogan Lab, Western University
No classification provided (evidence only). Condition: Ovarian serous cystadenocarcinoma. Review status: no classification provided. Collection method: in vitro. Allele origin: not applicable. Functional consequence: retained intron. Not counted in ClinVar's aggregate classification.

Dr. Peter K. Rogan Lab, Western University
No classification provided (evidence only). Condition: Ovarian serous cystadenocarcinoma. Review status: no classification provided. Collection method: in vitro. Allele origin: not applicable. Functional consequence: retained intron. Not counted in ClinVar's aggregate classification.

Dr. Peter K. Rogan Lab, Western University
No classification provided (evidence only). Condition: Ovarian serous cystadenocarcinoma. Review status: no classification provided. Collection method: in vitro. Allele origin: not applicable. Functional consequence: retained intron. Not counted in ClinVar's aggregate classification.

NM_058216.3(RAD51C):c.1026+1G>C

Gene: RAD51C (RAD51 paralog C; plus strand). Cytogenetic location: 17q22.
Variant type: single nucleotide variant.
Coding change: c.1026+1G>C on transcript NM_058216.3 (MANE Select); the canonical splice donor site of the intron after coding-DNA position 1026, G replaced by C.
Molecular consequence: splice donor variant.
Genome position (GRCh38, 1-based): chr17:58,732,545, G>C. VCF-style: chr17-58732545-G-C. GRCh37 (hg19) VCF-style: chr17-56809906-G-C.
Other names: NC_000017.10:g.56809906G>C.
Identifiers: ClinVar variation 634746 (VCV000634746.4), dbSNP rs1567817516, ClinGen allele CA400365277.
Genomic context (GRCh38, chr17:58,732,545, plus strand): 5'-TTGGCAACATTGTACAAGTCACCCAGCCAGAAGGAATGCACAGTACTGTTTCAAATCAAA[G>C]TCAGTATTATTTGATTAGAGTGGGATTTTGATATTGATGGGCGGTAATTATCTAAAGAGA-3'